The following is an entry in ClinVar:

NM_021926.4(ALX4):c.*2226G>A

Gene: ALX4 (ALX homeobox 4; minus strand). Cytogenetic location: 11p11.2.
Variant type: single nucleotide variant.
Coding change: c.*2226G>A on transcript NM_021926.4 (MANE Select); 2226 bases downstream of the stop codon, G replaced by A.
Molecular consequence: 3 prime UTR variant.
Genome position (GRCh38, 1-based): chr11:44,262,628, C>T on the plus strand (G>A on the coding strand, the complement: ALX4 is on the minus strand). VCF-style: chr11-44262628-C-T. GRCh37 (hg19) VCF-style: chr11-44284178-C-T.
Other names: c.*2226G>A (LRG_1256t1).
Identifiers: ClinVar variation 304643 (VCV000304643.5), dbSNP rs78607024, ClinGen allele CA10634879.

ClinVar aggregate classification (germline): Benign (1 of 4 stars; one submission).

Conditions:
Parietal foramina 2 (PFM2). Identifiers: Orphanet 60015, MedGen C1865044, MONDO:0012309, OMIM 609597.

Allele frequency attached by ClinVar (database versions not stated): gnomAD exomes 0.01913; TOPMed 0.02401; gnomAD 0.02431 and 0.02447; 1000 Genomes Project 0.02476.
gnomAD v4.1: 3,717 of 152,668 alleles (2.4%); highest among the groups gnomAD compares: Admixed American, 6.9%; 94 homozygotes.

Submission:

Illumina Laboratory Services, Illumina
Classification: Benign for Parietal foramina 2. Last evaluated: 2018-01-12. Review status: criteria provided, single submitter. Criteria: ICSL Variant Classification Criteria 13 December 2019. Collection method: clinical testing. Allele origin: germline.
Comment: This variant was observed in the ICSL laboratory as part of a predisposition screen in an ostensibly healthy population. It had not been previously curated by ICSL or reported in the Human Gene Mutation Database (HGMD: prior to June 1st, 2018), and was therefore a candidate for classification through an automated scoring system. Utilizing variant allele frequency, disease prevalence and penetrance estimates, and inheritance mode, an automated score was calculated to assess if this variant is too frequent to cause the disease. Based on the score and internal cut-off values, a variant classified as benign is not then subjected to further curation. The score for this variant resulted in a classification of benign for this disease.